The following is an entry in ClinVar:

NM_018230.3(NUP133):c.2401G>A (p.Val801Met)

Gene: NUP133 (nucleoporin 133; minus strand). Cytogenetic location: 1q42.13.
Variant type: single nucleotide variant.
Coding change: c.2401G>A on transcript NM_018230.3 (MANE Select); coding-DNA position 2401, G replaced by A.
Protein change: p.Val801Met; replaces valine 801 with methionine.
Molecular consequence: missense variant.
Genome position (GRCh38, 1-based): chr1:229,464,774, C>T on the plus strand (G>A on the coding strand, the complement: NUP133 is on the minus strand). VCF-style: chr1-229464774-C-T. GRCh37 (hg19) VCF-style: chr1-229600521-C-T.
Other names: c.2401G>A (NM_018230.2); short protein forms V801M.
Identifiers: ClinVar variation 2077928 (VCV002077928.7), dbSNP rs139160684, ClinGen allele CA1443298.
Genomic context (GRCh38, chr1:229,464,774, plus strand): 5'-TAAGCTGAGAAACATAACCATCCAGGAAGCAATCGATCAGGGCTACCAGCTGCTCGGTCA[C>T]GATGTTTCGGAGGTTGCTGTCTGCCTGTGGATAAGCCACCTTCAGGACAATCTCATGCTG-3'
Protein context (NP_060700.2, residues 791-811): PQADSNLRNI[Val801Met]TEQLVALIDC

ClinVar aggregate classification (germline): Uncertain significance. Review status: criteria provided, multiple submitters, no conflicts (2 of 4 stars). 2 submissions from 2 submitters: Uncertain significance (2). Last evaluated 2025-11-07.

Allele frequency attached by ClinVar (database versions not stated): ESP Exome Variant Server 0.00008; TOPMed 0.00003; ExAC 0.00004; gnomAD 0.00004.
gnomAD v4.1: 29 of 1,614,086 alleles (0.0018%); highest among the groups gnomAD compares: Non-Finnish European, 0.0022%; no homozygotes.

Submissions (2):

Ambry Genetics
Classification: Uncertain significance. Last evaluated: 2025-11-07. Review status: criteria provided, single submitter. Criteria: Ambry Variant Classification Scheme 2023. Collection method: clinical testing. Allele origin: germline.

Labcorp Genetics (formerly Invitae), Labcorp
Classification: Uncertain significance. Last evaluated: 2022-06-29. Review status: criteria provided, single submitter. Criteria: Invitae Variant Classification Sherloc (09022015). Collection method: clinical testing. Allele origin: germline.
Comment: This sequence change replaces valine, which is neutral and non-polar, with methionine, which is neutral and non-polar, at codon 801 of the NUP133 protein (p.Val801Met). This variant is present in population databases (rs139160684, gnomAD 0.007%). This variant has not been reported in the literature in individuals affected with NUP133-related conditions. Algorithms developed to predict the effect of missense changes on protein structure and function (SIFT, PolyPhen-2, Align-GVGD) all suggest that this variant is likely to be tolerated. In summary, the available evidence is currently insufficient to determine the role of this variant in disease. Therefore, it has been classified as a Variant of Uncertain Significance.